The following is an entry in ClinVar:

NM_144599.5(NIPA1):c.352C>T (p.Leu118Phe)

Gene: NIPA1 (NIPA magnesium transporter 1; plus strand). Cytogenetic location: 15q11.2.
Variant type: single nucleotide variant.
Coding change: c.352C>T on transcript NM_144599.5 (MANE Select); coding-DNA position 352, C replaced by T.
Protein change: p.Leu118Phe; replaces leucine 118 with phenylalanine.
Molecular consequence: missense variant.
Genome position (GRCh38, 1-based): chr15:22,820,347, C>T. VCF-style: chr15-22820347-C-T. GRCh37 (hg19) VCF-style: chr15-23052721-G-A.
Other names: c.127C>T, p.Leu43Phe (NM_001142275.1); short protein forms L118F, L43F.
Identifiers: ClinVar variation 4754006 (VCV004754006.1).
Genomic context (GRCh38, chr15:22,820,347, plus strand): 5'-TAATGATTTCTCTTTTTTCAATAAAGGTCCATTTTAGCTTCCTATCTCCTGAAGGAAAAG[C>T]TCAACATCTTGGGCAAGTTGGGGTGCCTGCTAAGCTGTGCAGGCTCCGTCGTGCTGATTA-3'
Protein context (NP_653200.2, residues 108-128): ILASYLLKEK[Leu118Phe]NILGKLGCLL

ClinVar aggregate classification (germline): Uncertain significance (1 of 4 stars; one submission).

Conditions:
Hereditary spastic paraplegia 6 (SPG6). Also called: SPASTIC PARAPLEGIA 6, AUTOSOMAL DOMINANT. Identifiers: Orphanet 100988, MedGen C1838192, MONDO:0010878, OMIM 600363.

gnomAD v4.1: 1 of 1,612,922 alleles (0.000062%); highest among the groups gnomAD compares: East Asian, 0.0022%; no homozygotes.

Submission:

Labcorp Genetics (formerly Invitae), Labcorp
Classification: Uncertain significance for Hereditary spastic paraplegia 6. Last evaluated: 2025-06-18. Review status: criteria provided, single submitter. Criteria: Invitae Variant Classification Sherloc (09022015). Collection method: clinical testing. Allele origin: germline.
Comment: This sequence change replaces leucine, which is neutral and non-polar, with phenylalanine, which is neutral and non-polar, at codon 118 of the NIPA1 protein (p.Leu118Phe). This variant is not present in population databases (gnomAD no frequency). This variant has not been reported in the literature in individuals affected with NIPA1-related conditions. Invitae Evidence Modeling of protein sequence and biophysical properties (such as structural, functional, and spatial information, amino acid conservation, physicochemical variation, residue mobility, and thermodynamic stability) indicates that this missense variant is not expected to disrupt NIPA1 protein function with a negative predictive value of 80%. In summary, the available evidence is currently insufficient to determine the role of this variant in disease. Therefore, it has been classified as a Variant of Uncertain Significance.